The following is an entry in ClinVar:

ClinVar aggregate classification (germline): Benign (1 of 4 stars; one submission).

Allele frequency attached by ClinVar (database versions not stated): gnomAD 0.16200 and 0.16790; TOPMed 0.17290; 1000 Genomes Project 30x 0.20081; 1000 Genomes Project 0.21086.
gnomAD v4.1: 25,588 of 152,168 alleles (17%); highest among the groups gnomAD compares: East Asian, 46%; 2,665 homozygotes.

Submission:

GeneDx
Classification: Benign. Last evaluated: 2018-06-19. Review status: criteria provided, single submitter. Criteria: GeneDx Variant Classification (06012015). Collection method: clinical testing. Allele origin: germline. Affected: yes.
Comment: This variant is considered likely benign or benign based on one or more of the following criteria: it is a conservative change, it occurs at a poorly conserved position in the protein, it is predicted to be benign by multiple in silico algorithms, and/or has population frequency not consistent with disease.

NM_001080477.4(TENM3):c.4017+188G>T

Gene: TENM3 (teneurin transmembrane protein 3; plus strand). Cytogenetic location: 4q35.1.
Variant type: single nucleotide variant.
Coding change: c.4017+188G>T on transcript NM_001080477.4 (MANE Select); 188 bases into the intron after coding-DNA position 4017, G replaced by T.
Molecular consequence: intron variant.
Genome position (GRCh38, 1-based): chr4:182,753,792, G>T. VCF-style: chr4-182753792-G-T. GRCh37 (hg19) VCF-style: chr4-183674945-G-T.
Identifiers: ClinVar variation 674013 (VCV000674013.1), dbSNP rs13131625, ClinGen allele CA111742430.